The following is an entry in ClinVar:

ClinVar aggregate classification (germline): Uncertain significance (1 of 4 stars; one submission).

Submission:

GeneDx
Classification: Uncertain significance. Last evaluated: 2025-04-24. Review status: criteria provided, single submitter. Criteria: GeneDx Variant Classification Process June 2021. Collection method: clinical testing. Allele origin: germline. Affected: yes.
Comment: Not observed at significant frequency in large population cohorts (gnomAD); In silico analysis supports that this missense variant has a deleterious effect on protein structure/function; Has not been previously published as pathogenic or benign to our knowledge

NM_001366145.2(TRPM3):c.1686C>A (p.Asp562Glu)

Gene: TRPM3 (transient receptor potential cation channel subfamily M member 3; minus strand). Cytogenetic location: 9q21.12.
Variant type: single nucleotide variant.
Coding change: c.1686C>A on transcript NM_001366145.2 (MANE Select); coding-DNA position 1686, C replaced by A.
Protein change: p.Asp562Glu; replaces aspartic acid 562 with glutamic acid.
Molecular consequence: missense variant.
Genome position (GRCh38, 1-based): chr9:70,625,314, G>T on the plus strand (C>A on the coding strand, the complement: TRPM3 is on the minus strand). VCF-style: chr9-70625314-G-T. GRCh37 (hg19) VCF-style: chr9-73240230-G-T.
Other names: c.1650C>A, p.Asp550Glu (NM_001007471.4, NM_001366150.2, NM_001366151.2); c.1656C>A, p.Asp552Glu (NM_001366141.2, NM_001366143.2); c.1692C>A, p.Asp564Glu (NM_001366142.2); c.1686C>A, p.Asp562Glu (NM_001366146.2, NM_001366149.2); c.1761C>A, p.Asp587Glu (NM_001366147.2, NM_001366148.2, NM_001366152.2); c.1227C>A, p.Asp409Glu (NM_001366154.2, NM_024971.7, NM_206945.5); c.1191C>A, p.Asp397Glu (NM_020952.6, NM_206944.5); c.1266C>A, p.Asp422Glu (NM_206946.5, NM_206947.5); short protein forms D397E, D409E, D422E, D550E, D552E, D562E, D564E, D587E.
Identifiers: ClinVar variation 4527567 (VCV004527567.1).